The following is an entry in ClinVar:

NM_145698.5(ACBD5):c.1297C>G (p.Arg433Gly)

Gene: ACBD5 (acyl-CoA binding domain containing 5; minus strand). Cytogenetic location: 10p12.1.
Variant type: single nucleotide variant.
Coding change: c.1297C>G on transcript NM_145698.5 (MANE Select); coding-DNA position 1297, C replaced by G.
Protein change: p.Arg433Gly; replaces arginine 433 with glycine.
Molecular consequence: missense variant.
Genome position (GRCh38, 1-based): chr10:27,208,353, G>C on the plus strand (C>G on the coding strand, the complement: ACBD5 is on the minus strand). VCF-style: chr10-27208353-G-C. GRCh37 (hg19) VCF-style: chr10-27497282-G-C.
Other names: c.1192C>G, p.Arg398Gly (NM_001042473.4, NM_001352577.2, NM_001352578.2 and 1 more transcripts); c.1291C>G, p.Arg431Gly (NM_001271512.3); c.970C>G, p.Arg324Gly (NM_001301251.2, NM_001301252.2, NM_001301253.2 and 2 more transcripts); c.766C>G, p.Arg256Gly (NM_001301254.2); c.1351C>G, p.Arg451Gly (NM_001352568.1); c.1330C>G, p.Arg444Gly (NM_001352569.1); c.1297C>G, p.Arg433Gly (NM_001352570.1); c.1324C>G, p.Arg442Gly (NM_001352571.1); and 10 more; short protein forms R376G, R431G, R433G, R256G, R324G, R330G, R365G, R398G.
Identifiers: ClinVar variation 2116112 (VCV002116112.4), dbSNP rs1426447692, ClinGen allele CA376373351.

ClinVar aggregate classification (germline): Uncertain significance (1 of 4 stars; one submission).

Submission:

Labcorp Genetics (formerly Invitae), Labcorp
Classification: Uncertain significance. Last evaluated: 2022-07-21. Review status: criteria provided, single submitter. Criteria: Invitae Variant Classification Sherloc (09022015). Collection method: clinical testing. Allele origin: germline.
Comment: This variant has not been reported in the literature in individuals affected with ACBD5-related conditions. This sequence change replaces arginine, which is basic and polar, with glycine, which is neutral and non-polar, at codon 433 of the ACBD5 protein (p.Arg433Gly). This variant is not present in population databases (gnomAD no frequency). Algorithms developed to predict the effect of missense changes on protein structure and function output the following: SIFT: "Tolerated"; PolyPhen-2: "Benign"; Align-GVGD: "Class C0". The glycine amino acid residue is found in multiple mammalian species, which suggests that this missense change does not adversely affect protein function. In summary, the available evidence is currently insufficient to determine the role of this variant in disease. Therefore, it has been classified as a Variant of Uncertain Significance.